The following is an entry in ClinVar:

ClinVar aggregate classification (germline): Likely benign (0 of 4 stars; one submission).

Conditions:
SYT14-related disorder. Also called: SYT14-related condition.

Allele frequency attached by ClinVar (database versions not stated): ExAC 0.00003; gnomAD 0.00006; TOPMed 0.00006; gnomAD exomes 0.00011.
gnomAD v4.1: 162 of 1,614,016 alleles (0.01%); highest among the groups gnomAD compares: Non-Finnish European, 0.013%; no homozygotes.

Submission:

PreventionGenetics, part of Exact Sciences
Classification: Likely benign for SYT14-related condition. Last evaluated: 2019-08-09. Review status: no assertion criteria provided. Collection method: clinical testing. Allele origin: germline.
Comment: This variant is classified as likely benign based on ACMG/AMP sequence variant interpretation guidelines (Richards et al. 2015 PMID: 25741868, with internal and published modifications).

NM_001146262.4(SYT14):c.1536A>G (p.Leu512=)

Gene: SYT14 (synaptotagmin 14; plus strand). Cytogenetic location: 1q32.2.
Variant type: single nucleotide variant.
Coding change: c.1536A>G on transcript NM_001146262.4 (MANE Select); coding-DNA position 1536, A replaced by G.
Protein change: p.Leu512=; no amino-acid change (leucine 512 retained).
Molecular consequence: synonymous variant. On other transcripts: non-coding transcript variant (1).
Genome position (GRCh38, 1-based): chr1:210,160,853, A>G. VCF-style: chr1-210160853-A-G. GRCh37 (hg19) VCF-style: chr1-210334198-A-G.
Other names: c.1671A>G, p.Leu557= (NM_001146261.4); c.1614A>G, p.Leu538= (NM_001146264.4); c.1365A>G, p.Leu455= (NM_001256006.3); c.2349A>G, p.Leu783= (NM_001397544.1, NM_001397545.1); c.1479A>G, p.Leu493= (NM_153262.5).
Identifiers: ClinVar variation 3035754 (VCV003035754.2), dbSNP rs768344145, ClinGen allele CA1378447.